The following is an entry in ClinVar:

ClinVar aggregate classification (germline): Likely pathogenic (1 of 4 stars; one submission).

Conditions:
Familial thoracic aortic aneurysm and aortic dissection (TAAD). Also called: Thoracic aortic aneurysms and dissections. Identifiers: Orphanet 91387, MedGen C4707243, MONDO:0019625.
Hereditary cancer-predisposing syndrome. Also called: Hereditary Cancer Syndrome; Hereditary neoplastic syndrome; Neoplastic Syndromes, Hereditary; Tumor predisposition. Identifiers: Orphanet 140162, MedGen C0027672, MeSH D009386, MONDO:0015356.

Submission:

Ambry Genetics
Classification: Likely pathogenic for Hereditary cancer-predisposing syndrome; Familial thoracic aortic aneurysm and aortic dissection. Last evaluated: 2026-06-23. Review status: criteria provided, single submitter. Criteria: Ambry Variant Classification Scheme 2023. Collection method: clinical testing. Allele origin: germline.
Comment: The p.G365R variant (also known as c.1093G>C), located in coding exon 8 of the SMAD4 gene, results from a G to C substitution at nucleotide position 1093. The glycine at codon 365 is replaced by arginine, an amino acid with dissimilar properties. This variant was reported in individual(s) with features consistent with juvenile polyposis/hereditary hemorrhagic telangiectasia syndrome (Ambry internal data). This missense variant is located in a region that has a low rate of benign missense variation (Lek M et al. Nature. 2016 Aug 18;536(7616):285-91; DECIPHER: Database of Chromosomal Imbalance and Phenotype in Humans using Ensembl Resources. Firth H.V. et al. 2009. Am.J.Hum.Genet. 84, 524-533 (DOI)). This amino acid position is highly conserved in available vertebrate species. In addition, this alteration is predicted to be deleterious by in silico analysis. This variant is considered to be rare based on population cohorts in the Genome Aggregation Database (gnomAD). Based on the majority of available evidence to date, this variant is likely to be pathogenic.

NM_005359.6(SMAD4):c.1093G>C (p.Gly365Arg)

Gene: SMAD4 (SMAD family member 4; plus strand). Cytogenetic location: 18q21.2.
Variant type: single nucleotide variant.
Coding change: c.1093G>C on transcript NM_005359.6 (MANE Select); coding-DNA position 1093, G replaced by C.
Protein change: p.Gly365Arg; replaces glycine 365 with arginine.
Molecular consequence: missense variant.
Genome position (GRCh38, 1-based): chr18:51,065,560, G>C. VCF-style: chr18-51065560-G-C. GRCh37 (hg19) VCF-style: chr18-48591930-G-C.
Other names: c.1093G>C, p.Gly365Arg (NM_001407041.1, NM_001407042.1, NM_001407043.1); short protein forms G365R.
Identifiers: ClinVar variation 1790004 (VCV001790004.3), dbSNP rs2144447533, ClinGen allele CA402464423.
Genomic context (GRCh38, chr18:51,065,560, plus strand): 5'-TGCCCTATTGTTACTGTTGATGGATACGTGGACCCTTCTGGAGGAGATCGCTTTTGTTTG[G>C]GTCAACTCTCCAATGTCCACAGGACAGAAGCCATTGAGAGAGCAAGGTATTGATTGTATA-3'
Protein context (NP_005350.1, residues 355-375): DPSGGDRFCL[Gly365Arg]QLSNVHRTEA